The following is an entry in ClinVar:

NM_000264.5(PTCH1):c.3622G>T (p.Ala1208Ser)

Gene: PTCH1 (patched 1; minus strand). Cytogenetic location: 9q22.32.
Variant type: single nucleotide variant.
Coding change: c.3622G>T on transcript NM_000264.5 (MANE Select); coding-DNA position 3622, G replaced by T.
Protein change: p.Ala1208Ser; replaces alanine 1208 with serine.
Molecular consequence: missense variant. On other transcripts: non-coding transcript variant (1).
Genome position (GRCh38, 1-based): chr9:95,449,251, C>A on the plus strand (G>T on the coding strand, the complement: PTCH1 is on the minus strand). VCF-style: chr9-95449251-C-A. GRCh37 (hg19) VCF-style: chr9-98211533-C-A.
Other names: c.3424G>T, p.Ala1142Ser (NM_001083602.3); c.3619G>T, p.Ala1207Ser (NM_001083603.3); c.3169G>T, p.Ala1057Ser (NM_001083604.3, NM_001083605.3, NM_001083606.3 and 1 more transcripts); c.3466G>T, p.Ala1156Ser (NM_001354918.2); short protein forms A1208S, A1142S, A1057S, A1156S, A1207S.
Identifiers: ClinVar variation 453858 (VCV000453858.15), dbSNP rs945517672, ClinGen allele CA196566474.
Genomic context (GRCh38, chr9:95,449,251, plus strand): 5'-GGGAACTATACTCCGAGTCGGAGGAATCAGACCCGCTGTGCGTGTGGCCGGGCGGCATGG[C>A]GAAGCGGACCACGCTGGGGGGTGGCTCAGGGGAGGGTGTGGGCAGGCGGTTCAAGCCGTT-3'
Protein context (NP_000255.2, residues 1198-1218): PEPPPSVVRF[Ala1208Ser]MPPGHTHSGS

ClinVar aggregate classification (germline): Conflicting classifications of pathogenicity. Review status: criteria provided, conflicting classifications (1 of 4 stars). 2 submissions from 2 submitters: Uncertain significance (1); Likely benign (1). Last evaluated 2025-11-26.

Conditions:
Hereditary cancer-predisposing syndrome. Also called: Tumor predisposition; Hereditary Cancer Syndrome; Neoplastic Syndromes, Hereditary; Hereditary neoplastic syndrome. Identifiers: Orphanet 140162, MedGen C0027672, MeSH D009386, MONDO:0015356.
Gorlin syndrome. Also called: Basal cell nevus syndrome; Nevoid Basal Cell Carcinoma Syndrome. Identifiers: Orphanet 377, MedGen C0004779, MONDO:0007187.

Allele frequency attached by ClinVar (database versions not stated): TOPMed below 0.00001.
gnomAD v4.1: 11 of 1,573,418 alleles (0.0007%); highest among the groups gnomAD compares: Non-Finnish European, 0.00086%; no homozygotes.

Submissions (2):

Labcorp Genetics (formerly Invitae), Labcorp
Classification: Uncertain significance for Gorlin syndrome. Last evaluated: 2025-11-26. Review status: criteria provided, single submitter. Criteria: Invitae Variant Classification Sherloc (09022015). Collection method: clinical testing. Allele origin: germline.
Comment: This sequence change replaces alanine, which is neutral and non-polar, with serine, which is neutral and polar, at codon 1208 of the PTCH1 protein (p.Ala1208Ser). This variant is not present in population databases (gnomAD no frequency). This variant has not been reported in the literature in individuals affected with PTCH1-related conditions. ClinVar contains an entry for this variant (Variation ID: 453858). Invitae Evidence Modeling of protein sequence and biophysical properties (such as structural, functional, and spatial information, amino acid conservation, physicochemical variation, residue mobility, and thermodynamic stability) indicates that this missense variant is not expected to disrupt PTCH1 protein function with a negative predictive value of 95%. In summary, the available evidence is currently insufficient to determine the role of this variant in disease. Therefore, it has been classified as a Variant of Uncertain Significance.

Ambry Genetics
Classification: Likely benign for Hereditary cancer-predisposing syndrome. Last evaluated: 2023-11-08. Review status: criteria provided, single submitter. Criteria: Ambry Variant Classification Scheme 2023. Collection method: clinical testing. Allele origin: germline.